The following is an entry in ClinVar:

ClinVar aggregate classification (germline): Pathogenic (1 of 4 stars; one submission).

Submission:

Labcorp Genetics (formerly Invitae), Labcorp
Classification: Pathogenic. Last evaluated: 2023-07-29. Review status: criteria provided, single submitter. Criteria: Invitae Variant Classification Sherloc (09022015). Collection method: clinical testing. Allele origin: unknown.
Comment: For these reasons, this variant has been classified as Pathogenic. This variant has not been reported in the literature in individuals affected with PIK3C2A-related conditions. This variant is a gross deletion of the genomic region encompassing exon(s) 2 of the PIK3C2A gene, which includes the initiator codon. This deletion extends beyond the assayed region for this gene and therefore may encompass additional genes. It is expected to result in an absent or disrupted protein product. Loss-of-function variants in PIK3C2A are known to be pathogenic (PMID: 31034465).

Literature cited by the submitters: PubMed 31034465.

NC_000011.9:g.(?_17190204)_(17191288_?)del

Gene: PIK3C2A (phosphatidylinositol-4-phosphate 3-kinase catalytic subunit type 2 alpha; minus strand). Cytogenetic location: 11p15.1.
Variant type: Deletion.
Identifiers: ClinVar variation 3244747 (VCV003244747.1).